The following is an entry in ClinVar:

ClinVar aggregate classification (germline): Pathogenic. Review status: criteria provided, multiple submitters, no conflicts (2 of 4 stars). 2 submissions from 2 submitters: Pathogenic (2). Last evaluated 2026-04-30.

Conditions:
Beta-D-mannosidosis (MANSB). Also called: Beta-Mannosidosis; MANNOSIDOSIS, BETA A, LYSOSOMAL; BETA-MANNOSIDASE DEFICIENCY; LYSOSOMAL BETA-MANNOSIDASE DEFICIENCY. Identifiers: Orphanet 118, MedGen C4048196, MONDO:0009562, OMIM 248510.

Submissions (2):

Women's Health and Genetics/Laboratory Corporation of America, LabCorp
Classification: Pathogenic for Beta-D-mannosidosis. Last evaluated: 2026-04-30. Review status: criteria provided, single submitter. Criteria: LabCorp Variant Classification Summary - May 2015. Collection method: clinical testing. Allele origin: germline.
Comment: Variant summary: MANBA c.1733delA (p.Asn578IlefsX47) results in a premature termination codon, predicted to cause a truncation of the encoded protein or absence of the protein due to nonsense mediated decay, which are commonly known mechanisms for disease. The variant allele was found at a frequency of 4e-06 in 251118 control chromosomes (gnomAD). To our knowledge, no occurrence of c.1733delA in individuals affected with MANBA-related conditions and no experimental evidence demonstrating its impact on protein function have been reported. ClinVar contains an entry for this variant (Variation ID: 2888527). Based on the evidence outlined above, the variant was classified as pathogenic.

Labcorp Genetics (formerly Invitae), Labcorp
Classification: Pathogenic for Beta-D-mannosidosis. Last evaluated: 2024-01-10. Review status: criteria provided, single submitter. Criteria: Invitae Variant Classification Sherloc (09022015). Collection method: clinical testing. Allele origin: germline.
Comment: This sequence change creates a premature translational stop signal (p.Asn578Ilefs*47) in the MANBA gene. It is expected to result in an absent or disrupted protein product. Loss-of-function variants in MANBA are known to be pathogenic (PMID: 9384606, 12468273). This variant is present in population databases (no rsID available, gnomAD 0.0009%). This variant has not been reported in the literature in individuals affected with MANBA-related conditions. For these reasons, this variant has been classified as Pathogenic.

Literature cited by the submitters: PubMed 9384606 (cited by Labcorp Genetics (formerly Invitae), Labcorp); PubMed 12468273 (cited by Labcorp Genetics (formerly Invitae), Labcorp).

NM_005908.4(MANBA):c.1733del (p.Asn578fs)

Gene: MANBA (mannosidase beta; minus strand). Cytogenetic location: 4q24.
Variant type: Deletion.
Coding change: c.1733del on transcript NM_005908.4 (MANE Select); coding-DNA position 1733, one base deleted (A; older notation c.1733delA).
Protein change: p.Asn578fs; shifts the reading frame from asparagine 578.
Molecular consequence: frameshift variant.
Genome position (GRCh38, 1-based): chr4:102,650,673, T deleted on the plus strand (A on the coding strand, the reverse complement: MANBA is on the minus strand); the first of 2 consecutive T bases (chr4:102,650,673-102,650,674); deleting either gives the same sequence. VCF-style (leftmost placement, unchanged base first): chr4-102650672-AT-A. GRCh37 (hg19) VCF-style: chr4-103571829-AT-A.
Other names: c.1733delA (NM_005908.4); short protein forms N578fs.
Identifiers: ClinVar variation 2888527 (VCV002888527.5), dbSNP rs1404226085, ClinGen allele CA554048677.
Genomic context (GRCh38, chr4:102,650,672, plus strand): 5'-CTGATAAAGCATTTGTTTGTTACCACCTTCGTGATGTTGTCGATGAAGTGAAAACTTGCT[AT>A]TGAAAGACCAGTCCTCTGTAGACGAGACCTTTCAAATAAAGAATAAGAATTAGAAATCTG-3'